The following is an entry in ClinVar:

ClinVar aggregate classification (germline): Uncertain significance. Review status: criteria provided, multiple submitters, no conflicts (2 of 4 stars). 2 submissions from 2 submitters: Uncertain significance (2). Last evaluated 2018-12-20.

Conditions:
Familial thoracic aortic aneurysm and aortic dissection (TAAD). Also called: Thoracic aortic aneurysms and dissections. Identifiers: Orphanet 91387, MedGen C4707243, MONDO:0019625.
Ehlers-Danlos syndrome, type 4 (EDSVASC). Also called: Ehlers-Danlos syndrome vascular type; Ehlers Danlos syndrome, ecchymotic type; Ehlers Danlos syndrome, arterial type; Ehlers Danlos syndrome, Sack-Barabas type; Ehlers-Danlos Syndrome Type IV. Identifiers: Orphanet 286, MedGen C0268338, MONDO:0017314, OMIM 130050.

Allele frequency attached by ClinVar (database versions not stated): TOPMed below 0.00001.

Submissions (2):

Labcorp Genetics (formerly Invitae), Labcorp
Classification: Uncertain significance for Ehlers-Danlos syndrome, type 4. Last evaluated: 2018-12-20. Review status: criteria provided, single submitter. Criteria: Invitae Variant Classification Sherloc (09022015). Collection method: clinical testing. Allele origin: germline.
Comment: This variant is not present in population databases (ExAC no frequency). In summary, the available evidence is currently insufficient to determine the role of this variant in disease. Therefore, it has been classified as a Variant of Uncertain Significance. Algorithms developed to predict the effect of missense changes on protein structure and function output the following: SIFT: "Deleterious"; PolyPhen-2: "Benign"; Align-GVGD: "Class C0". The asparagine amino acid residue is found in multiple mammalian species, suggesting that this missense change does not adversely affect protein function. These predictions have not been confirmed by published functional studies and their clinical significance is uncertain. This variant has not been reported in the literature in individuals with COL3A1-related conditions. ClinVar contains an entry for this variant (Variation ID: 264159). This sequence change replaces serine with asparagine at codon 1067 of the COL3A1 protein (p.Ser1067Asn). The serine residue is weakly conserved and there is a small physicochemical difference between serine and asparagine.

Ambry Genetics
Classification: Uncertain significance for Familial thoracic aortic aneurysm and aortic dissection. Last evaluated: 2015-07-21. Review status: criteria provided, single submitter. Criteria: Ambry Variant Classification Scheme 2023. Collection method: clinical testing. Allele origin: germline.
Comment: The p.S1067N variant (also known as c.3200G>A), located in coding exon 43 of the COL3A1 gene, results from a G to A substitution at nucleotide position 3200. The serine at codon 1067 is replaced by asparagine, an amino acid with highly similar properties. This amino acid position is poorly conserved in available vertebrate species. In addition, this alteration is predicted to be tolerated by in silico analysis. Since supporting evidence is limited at this time, the clinical significance of this variant remains unclear.

NM_000090.4(COL3A1):c.3200G>A (p.Ser1067Asn)

Gene: COL3A1 (collagen type III alpha 1 chain; plus strand). Cytogenetic location: 2q32.2.
Variant type: single nucleotide variant.
Coding change: c.3200G>A on transcript NM_000090.4 (MANE Select); coding-DNA position 3200, G replaced by A.
Protein change: p.Ser1067Asn; replaces serine 1067 with asparagine.
Molecular consequence: missense variant.
Genome position (GRCh38, 1-based): chr2:189,006,451, G>A. VCF-style: chr2-189006451-G-A. GRCh37 (hg19) VCF-style: chr2-189871177-G-A.
Other names: short protein forms S1067N.
Identifiers: ClinVar variation 264159 (VCV000264159.14), dbSNP rs886039067, ClinGen allele CA10587543.